The following is an entry in ClinVar:

ClinVar aggregate classification (germline): Likely benign (1 of 4 stars; one submission).

gnomAD v4.1: 6,938 of 1,614,168 alleles (0.43%); highest among the groups gnomAD compares: Middle Eastern, 1.4%; 31 homozygotes.

Submission:

Mayo Clinic Laboratories, Mayo Clinic
Classification: Likely benign. Last evaluated: 2023-10-05. Review status: criteria provided, single submitter. Criteria: ACMG Guidelines, 2015. Collection method: clinical testing. Allele origin: germline. Observed: 5 variant alleles.
Comment: BP4, BP7

NM_005845.5(ABCC4):c.1035G>A (p.Val345=)

Gene: ABCC4 (ATP binding cassette subfamily C member 4 (PEL blood group); minus strand). Cytogenetic location: 13q32.1.
Variant type: single nucleotide variant.
Coding change: c.1035G>A on transcript NM_005845.5 (MANE Select); coding-DNA position 1035, G replaced by A.
Protein change: p.Val345=; no amino-acid change (valine 345 retained).
Molecular consequence: synonymous variant.
Genome position (GRCh38, 1-based): chr13:95,206,658, C>T on the plus strand (G>A on the coding strand, the complement: ABCC4 is on the minus strand). VCF-style: chr13-95206658-C-T. GRCh37 (hg19) VCF-style: chr13-95858912-C-T.
Other names: p.Val345=; c.1035G>A, p.Val345= (NM_001105515.3, NM_001301829.2); c.810G>A, p.Val270= (NM_001301830.2).
Identifiers: ClinVar variation 4683819 (VCV004683819.1).